The following is an entry in ClinVar:

ClinVar aggregate classification (germline): Pathogenic (1 of 4 stars; one submission).

Conditions:
Retinal disorder. Also called: Retinopathy; Retinopathies; Retinal Diseases; Retinal disorders. Identifiers: MedGen C0035309, MONDO:0005283, HP:0000488.

Submission:

Genetics Laboratory, Great Ormond Street Hospital NHS Foundation Trust, North Thames Genomic Laboratory Hub
Classification: Pathogenic for Retinal disorders. Last evaluated: 2026-04-10. Review status: criteria provided, single submitter. Criteria: ACGS Best Practice Guidelines for Variant Classification in Rare Disease 2024 v1.2. Collection method: clinical testing. Allele origin: germline. Affected: yes.
Comment: PM2_moderate, PVS1_very-strong

NM_016247.4(IMPG2):c.3056del (p.Cys1019fs)

Gene: IMPG2 (interphotoreceptor matrix proteoglycan 2; minus strand). Cytogenetic location: 3q12.3.
Variant type: Deletion.
Coding change: c.3056del on transcript NM_016247.4 (MANE Select); coding-DNA position 3056, one base deleted (G; older notation c.3056delG).
Protein change: p.Cys1019fs; shifts the reading frame from cysteine 1019.
Molecular consequence: frameshift variant.
Genome position (GRCh38, 1-based): chr3:101,232,958, C deleted on the plus strand (G on the coding strand, the reverse complement: IMPG2 is on the minus strand). VCF-style (leftmost placement, unchanged base first): chr3-101232957-AC-A. GRCh37 (hg19) VCF-style: chr3-100951801-AC-A.
Other names: short protein forms C1019fs.
Identifiers: ClinVar variation 4852813 (VCV004852813.1).